The following is an entry in ClinVar:

ClinVar aggregate classification (germline): Uncertain significance. Review status: criteria provided, multiple submitters, no conflicts (2 of 4 stars). 2 submissions from 2 submitters: Uncertain significance (2). Last evaluated 2025-02-21.

Conditions:
Cardiovascular phenotype. Identifiers: MedGen CN230736.
Hereditary cancer-predisposing syndrome. Also called: Tumor predisposition; Neoplastic Syndromes, Hereditary; Hereditary neoplastic syndrome; Hereditary Cancer Syndrome. Identifiers: Orphanet 140162, MedGen C0027672, MeSH D009386, MONDO:0015356.

Submissions (2):

Ambry Genetics
Classification: Uncertain significance for Cardiovascular phenotype; Hereditary cancer-predisposing syndrome. Last evaluated: 2025-02-21. Review status: criteria provided, single submitter. Criteria: Ambry Variant Classification Scheme 2023. Collection method: clinical testing. Allele origin: germline.
Comment: The p.L528V variant (also known as c.1582C>G), located in coding exon 14 of the LZTR1 gene, results from a C to G substitution at nucleotide position 1582. The leucine at codon 528 is replaced by valine, an amino acid with highly similar properties. This amino acid position is conserved. In addition, the in silico prediction for this alteration is inconclusive. Since supporting evidence is limited at this time, the clinical significance of this alteration remains unclear.

Labcorp Genetics (formerly Invitae), Labcorp
Classification: Uncertain significance. Last evaluated: 2024-02-23. Review status: criteria provided, single submitter. Criteria: Invitae Variant Classification Sherloc (09022015). Collection method: clinical testing. Allele origin: germline.
Comment: This sequence change replaces leucine, which is neutral and non-polar, with valine, which is neutral and non-polar, at codon 528 of the LZTR1 protein (p.Leu528Val). This variant is not present in population databases (gnomAD no frequency). This variant has not been reported in the literature in individuals affected with LZTR1-related conditions. ClinVar contains an entry for this variant (Variation ID: 1516917). Advanced modeling of protein sequence and biophysical properties (such as structural, functional, and spatial information, amino acid conservation, physicochemical variation, residue mobility, and thermodynamic stability) performed at Invitae indicates that this missense variant is not expected to disrupt LZTR1 protein function with a negative predictive value of 80%. In summary, the available evidence is currently insufficient to determine the role of this variant in disease. Therefore, it has been classified as a Variant of Uncertain Significance.

NM_006767.4(LZTR1):c.1582C>G (p.Leu528Val)

Gene: LZTR1 (leucine zipper like post translational regulator 1; plus strand). Cytogenetic location: 22q11.21.
Variant type: single nucleotide variant.
Coding change: c.1582C>G on transcript NM_006767.4 (MANE Select); coding-DNA position 1582, C replaced by G.
Protein change: p.Leu528Val; replaces leucine 528 with valine.
Molecular consequence: missense variant.
Genome position (GRCh38, 1-based): chr22:20,994,236, C>G. VCF-style: chr22-20994236-C-G. GRCh37 (hg19) VCF-style: chr22-21348525-C-G.
Other names: short protein forms L528V.
Identifiers: ClinVar variation 1516917 (VCV001516917.10), dbSNP rs1331354829, ClinGen allele CA410776118.